The following is an entry in ClinVar:

ClinVar aggregate classification (germline): Uncertain significance (1 of 4 stars; one submission).

Conditions:
Generalized epilepsy with febrile seizures plus, type 7 (GEFSP7). Also called: GEFS+, TYPE 7. Identifiers: Orphanet 36387, MedGen C2751778, MONDO:0013470, OMIM 613863.
Neuropathy, hereditary sensory and autonomic, type 2A (HSAN2A). Also called: MORVAN DISEASE; NEUROPATHY, CONGENITAL SENSORY; NEUROPATHY, HEREDITARY SENSORY RADICULAR, AUTOSOMAL RECESSIVE; NEUROPATHY, HEREDITARY SENSORY, TYPE IIA; NEUROPATHY, PROGRESSIVE SENSORY, OF CHILDREN; WNK1-Related HSAN2 (HSAN2A). Identifiers: Orphanet 970, MedGen C2752089, MONDO:0024309, OMIM 201300.

Allele frequency attached by ClinVar (database versions not stated): TOPMed 0.00001.

Submission:

Labcorp Genetics (formerly Invitae), Labcorp
Classification: Uncertain significance for Neuropathy, hereditary sensory and autonomic, type 2A; Generalized epilepsy with febrile seizures plus, type 7. Last evaluated: 2024-04-27. Review status: criteria provided, single submitter. Criteria: Invitae Variant Classification Sherloc (09022015). Collection method: clinical testing. Allele origin: germline.
Comment: This sequence change replaces lysine, which is basic and polar, with glutamine, which is neutral and polar, at codon 1043 of the SCN9A protein (p.Lys1043Gln). This variant is not present in population databases (gnomAD no frequency). This variant has not been reported in the literature in individuals affected with SCN9A-related conditions. ClinVar contains an entry for this variant (Variation ID: 854991). Advanced modeling of protein sequence and biophysical properties (such as structural, functional, and spatial information, amino acid conservation, physicochemical variation, residue mobility, and thermodynamic stability) performed at Invitae indicates that this missense variant is not expected to disrupt SCN9A protein function with a negative predictive value of 95%. In summary, the available evidence is currently insufficient to determine the role of this variant in disease. Therefore, it has been classified as a Variant of Uncertain Significance.

NM_001365536.1(SCN9A):c.3160A>C (p.Lys1054Gln)

Genes: SCN9A (sodium voltage-gated channel alpha subunit 9; minus strand), SCN1A-AS1 (SCN1A and SCN9A antisense RNA 1; plus strand). Cytogenetic location: 2q24.3.
Variant type: single nucleotide variant.
Coding change: c.3160A>C on transcript NM_001365536.1 (MANE Select); coding-DNA position 3160, A replaced by C.
Protein change: p.Lys1054Gln; replaces lysine 1054 with glutamine.
Molecular consequence: missense variant.
Genome position (GRCh38, 1-based): chr2:166,272,590, T>G on the plus strand (A>C on the coding strand, the complement: SCN9A is on the minus strand). VCF-style: chr2-166272590-T-G. GRCh37 (hg19) VCF-style: chr2-167129100-T-G.
Other names: c.3127A>C, p.Lys1043Gln (NM_002977.4); short protein forms K1054Q, K1043Q.
Identifiers: ClinVar variation 854991 (VCV000854991.10), dbSNP rs1553486706, ClinGen allele CA349073505.
Genomic context (GRCh38, chr2:166,272,590, plus strand): 5'-TGTCTTCCATCAAGTGTTTGTCCACGCTGCTTCCAAAACCACTGATTTTATCTTTTTCCT[T>G]GAGGAAATTGTGACCTTTGCTCATTTCAGCAAGTGTATGGTTAGAAATATAGTTTTCCTT-3'
Protein context (NP_001352465.1, residues 1044-1064): AEMSKGHNFL[Lys1054Gln]EKDKISGFGS